The following is an entry in ClinVar:

ClinVar aggregate classification (germline): Uncertain significance (1 of 4 stars; one submission).

Submission:

Labcorp Genetics (formerly Invitae), Labcorp
Classification: Uncertain significance. Last evaluated: 2025-06-12. Review status: criteria provided, single submitter. Criteria: Invitae Variant Classification Sherloc (09022015). Collection method: clinical testing. Allele origin: germline.
Comment: This sequence change replaces asparagine, which is neutral and polar, with aspartic acid, which is acidic and polar, at codon 1197 of the DLC1 protein (p.Asn1197Asp). This variant is not present in population databases (gnomAD no frequency). This variant has not been reported in the literature in individuals affected with DLC1-related conditions. ClinVar contains an entry for this variant (Variation ID: 2695532). An algorithm developed to predict the effect of missense changes on protein structure and function (PolyPhen-2) suggests that this variant is likely to be disruptive. In summary, the available evidence is currently insufficient to determine the role of this variant in disease. Therefore, it has been classified as a Variant of Uncertain Significance.

NM_182643.3(DLC1):c.3589A>G (p.Asn1197Asp)

Gene: DLC1 (DLC1 Rho GTPase activating protein; minus strand). Cytogenetic location: 8p22.
Variant type: single nucleotide variant.
Coding change: c.3589A>G on transcript NM_182643.3 (MANE Select); coding-DNA position 3589, A replaced by G.
Protein change: p.Asn1197Asp; replaces asparagine 1197 with aspartic acid.
Molecular consequence: missense variant.
Genome position (GRCh38, 1-based): chr8:13,092,763, T>C on the plus strand (A>G on the coding strand, the complement: DLC1 is on the minus strand). VCF-style: chr8-13092763-T-C. GRCh37 (hg19) VCF-style: chr8-12950272-T-C.
Other names: c.2056A>G, p.Asn686Asp (NM_001413128.1, NM_001413133.1, NM_001413138.1 and 6 more transcripts); c.2380A>G, p.Asn794Asp (NM_001413129.1, NM_001316668.2); c.2371A>G, p.Asn791Asp (NM_001413130.1); c.2029A>G, p.Asn677Asp (NM_001413131.1, NM_001413137.1); c.2515A>G, p.Asn839Asp (NM_001413132.1); c.2278A>G, p.Asn760Asp (NM_001413135.1, NM_001413136.1, NM_001413139.1 and 1 more transcripts); c.3589A>G, p.Asn1197Asp (NM_001348081.2, NM_001413124.1); c.2413A>G, p.Asn805Asp (NM_001413140.1); short protein forms N1197D, N760D, N791D, N677D, N794D, N839D, N686D, N805D.
Identifiers: ClinVar variation 2695532 (VCV002695532.3), dbSNP rs2536993210, ClinGen allele CA370342500.
Genomic context (GRCh38, chr8:13,092,763, plus strand): 5'-CTTTTACGGCTGCTGTGACATCGCTCAGGAAATAAAGCAGGGTCTGCAGAACCTCCCGGT[T>C]CTCGTCAGGCAGCAGCATGATGGCAGCCTTGATGGCCTGCAGGCGCTGGTCCTTGGGCAC-3'
Protein context (NP_872584.2, residues 1187-1207): KAAIMLLPDE[Asn1197Asp]REVLQTLLYF